The following is an entry in ClinVar:

NM_000277.3(PAH):c.384_385delinsAA (p.Asp129Asn)

Gene: PAH (phenylalanine hydroxylase; minus strand). Cytogenetic location: 12q23.2.
Variant type: Indel.
Coding change: c.384_385delinsAA on transcript NM_000277.3 (MANE Select); coding-DNA positions 384 to 385, GG replaced by AA.
Protein change: p.Asp129Asn; replaces aspartic acid 129 with asparagine.
Molecular consequence: missense variant.
Genome position (GRCh38, 1-based): chr12:102,877,518-102,877,519, CC replaced by TT on the plus strand (GG replaced by AA on the coding strand, the reverse complement: PAH is on the minus strand). VCF-style: chr12-102877518-CC-TT. GRCh37 (hg19) VCF-style: chr12-103271296-CC-TT.
Other names: c.384_385delinsAA, p.Asp129Asn (NM_001354304.2); short protein forms D129N.
Identifiers: ClinVar variation 4823842 (VCV004823842.4).

ClinVar aggregate classification (germline): Likely pathogenic (1 of 4 stars; one submission).

Submission:

CeGaT Center for Human Genetics Tuebingen
Classification: Likely pathogenic. Last evaluated: 2026-03-01. Review status: criteria provided, single submitter. Criteria: CeGaT Center For Human Genetics Tuebingen Variant Classification Criteria Version 2. Collection method: clinical testing. Allele origin: germline. Affected: yes. Observed: 1 variant allele.
Comment: PAH: PM2, PM5, PP4:Moderate, PM1:Supporting, PM3:Supporting, PP3